The following is an entry in ClinVar:

ClinVar aggregate classification (germline): Uncertain significance (1 of 4 stars; one submission).

Allele frequency attached by ClinVar (database versions not stated): gnomAD exomes 0.00001.

Submission:

GeneDx
Classification: Uncertain significance. Last evaluated: 2023-03-31. Review status: criteria provided, single submitter. Criteria: GeneDx Variant Classification Process June 2021. Collection method: clinical testing. Allele origin: germline. Affected: yes.
Comment: Not observed at significant frequency in large population cohorts (gnomAD); In silico analysis supports that this missense variant does not alter protein structure/function; Has not been previously published as pathogenic or benign to our knowledge

NM_002887.4(RARS1):c.361A>G (p.Ile121Val)

Gene: RARS1 (arginyl-tRNA synthetase 1; plus strand). Cytogenetic location: 5q34.
Variant type: single nucleotide variant.
Coding change: c.361A>G on transcript NM_002887.4 (MANE Select); coding-DNA position 361, A replaced by G.
Protein change: p.Ile121Val; replaces isoleucine 121 with valine.
Molecular consequence: missense variant.
Genome position (GRCh38, 1-based): chr5:168,492,839, A>G. VCF-style: chr5-168492839-A-G. GRCh37 (hg19) VCF-style: chr5-167919844-A-G.
Other names: short protein forms I121V.
Identifiers: ClinVar variation 2582205 (VCV002582205.1), dbSNP rs1248881524, ClinGen allele CA362078769.